The following is an entry in ClinVar:

NM_000642.3(AGL):c.3457G>A (p.Ala1153Thr)

Gene: AGL (amylo-alpha-1,6-glucosidase and 4-alpha-glucanotransferase; plus strand). Cytogenetic location: 1p21.2.
Variant type: single nucleotide variant.
Coding change: c.3457G>A on transcript NM_000642.3 (MANE Select); coding-DNA position 3457, G replaced by A.
Protein change: p.Ala1153Thr; replaces alanine 1153 with threonine.
Molecular consequence: missense variant.
Genome position (GRCh38, 1-based): chr1:99,900,730, G>A. VCF-style: chr1-99900730-G-A. GRCh37 (hg19) VCF-style: chr1-100366286-G-A.
Other names: c.3457G>A, p.Ala1153Thr (NM_001425325.1, NM_000028.3, NM_000643.3 and 1 more transcripts); c.3436G>A, p.Ala1146Thr (NM_001425326.1); c.3256G>A, p.Ala1086Thr (NM_001425327.1); c.3253G>A, p.Ala1085Thr (NM_001425328.1); c.3118G>A, p.Ala1040Thr (NM_001425329.1); c.3079G>A, p.Ala1027Thr (NM_001425332.1); c.3409G>A, p.Ala1137Thr (NM_000646.3); short protein forms A1137T, A1153T, A1027T, A1040T, A1085T, A1086T, A1146T.
Identifiers: ClinVar variation 1015758 (VCV001015758.10), dbSNP rs1021861990, ClinGen allele CA27539402.

ClinVar aggregate classification (germline): Uncertain significance. Review status: criteria provided, single submitter (1 of 4 stars). 2 submissions from 2 submitters: Uncertain significance (1). 1 of the submissions does not count toward it. Last evaluated 2021-08-27.

Conditions:
Glycogen storage disease type III (GSD3). Also called: Cori disease; FORBES DISEASE. Identifiers: Orphanet 366, MedGen C0017922, MONDO:0009291, OMIM 232400.

Allele frequency attached by ClinVar (database versions not stated): gnomAD 0.00001; TOPMed 0.00003.
gnomAD v4.1: 3 of 1,614,034 alleles (0.00019%); highest among the groups gnomAD compares: African/African-American, 0.0013%; no homozygotes.

Submissions (2):

Labcorp Genetics (formerly Invitae), Labcorp
Classification: Uncertain significance for Glycogen storage disease type III. Last evaluated: 2021-08-27. Review status: criteria provided, single submitter. Criteria: Invitae Variant Classification Sherloc (09022015). Collection method: clinical testing. Allele origin: germline.
Comment: This sequence change replaces alanine with threonine at codon 1153 of the AGL protein (p.Ala1153Thr). The alanine residue is highly conserved and there is a small physicochemical difference between alanine and threonine. This variant is not present in population databases (ExAC no frequency). This variant has not been reported in the literature in individuals affected with AGL-related conditions. Algorithms developed to predict the effect of missense changes on protein structure and function are either unavailable or do not agree on the potential impact of this missense change (SIFT: "Deleterious"; PolyPhen-2: "Probably Damaging"; Align-GVGD: "Class C0"). In summary, the available evidence is currently insufficient to determine the role of this variant in disease. Therefore, it has been classified as a Variant of Uncertain Significance.

Natera, Inc.
Classification: Uncertain significance for Glycogen storage disease type III. Last evaluated: 2021-04-29. Review status: no assertion criteria provided. Collection method: clinical testing. Allele origin: germline. Not counted in ClinVar's aggregate classification.